The following is an entry in ClinVar:

NM_003001.5(SDHC):c.424G>T (p.Gly142Cys)

Gene: SDHC (succinate dehydrogenase complex subunit C; plus strand). Cytogenetic location: 1q23.3.
Variant type: single nucleotide variant.
Coding change: c.424G>T on transcript NM_003001.5 (MANE Select); coding-DNA position 424, G replaced by T.
Protein change: p.Gly142Cys; replaces glycine 142 with cysteine.
Molecular consequence: missense variant.
Genome position (GRCh38, 1-based): chr1:161,362,347, G>T. VCF-style: chr1-161362347-G-T. GRCh37 (hg19) VCF-style: chr1-161332137-G-T.
Other names: c.260G>T, p.Arg87Met (NM_001035511.3); c.322G>T, p.Gly108Cys (NM_001035512.3); c.265G>T, p.Gly89Cys (NM_001035513.3); c.158G>T, p.Arg53Met (NM_001278172.3); c.544G>T, p.Gly182Cys (NM_001407115.1); c.367G>T, p.Gly123Cys (NM_001407116.1); c.361G>T, p.Gly121Cys (NM_001407117.1); c.316G>T, p.Gly106Cys (NM_001407118.1); and 2 more; short protein forms R53M, G89C, G108C, G142C, R87M, G105C, G106C, G123C.
Identifiers: ClinVar variation 1442576 (VCV001442576.7), dbSNP rs2102385085, ClinGen allele CA343457614.

ClinVar aggregate classification (germline): Uncertain significance (1 of 4 stars; one submission).

Conditions:
Gastrointestinal stromal tumor. Also called: Gastrointestinal stroma tumor; Gastrointestinal stromal tumor, somatic. Identifiers: Orphanet 44890, MedGen C0238198, MeSH D046152, MONDO:0011719, OMIM 606764, HP:0100723.
Pheochromocytoma/paraganglioma syndrome 3. Also called: GLOMUS TUMORS, FAMILIAL, 3; SDHC-Related Hereditary Paraganglioma-Pheochromocytoma Syndrome; Paragangliomas 3; SDHC-Related Hereditary Paraganglioma-Pheochromocytoma Syndrome (Paragangliomas 3). Identifiers: Orphanet 29072, MedGen C1854336, MONDO:0011544, OMIM 605373.

Submission:

Labcorp Genetics (formerly Invitae), Labcorp
Classification: Uncertain significance for Pheochromocytoma/paraganglioma syndrome 3; Gastrointestinal stromal tumor. Last evaluated: 2021-08-07. Review status: criteria provided, single submitter. Criteria: Invitae Variant Classification Sherloc (09022015). Collection method: clinical testing. Allele origin: germline.
Comment: In summary, the available evidence is currently insufficient to determine the role of this variant in disease. Therefore, it has been classified as a Variant of Uncertain Significance. Advanced modeling of protein sequence and biophysical properties (such as structural, functional, and spatial information, amino acid conservation, physicochemical variation, residue mobility, and thermodynamic stability) performed at Invitae indicates that this missense variant is expected to disrupt SDHC protein function. This variant has not been reported in the literature in individuals affected with SDHC-related conditions. This variant is not present in population databases (ExAC no frequency). This sequence change replaces glycine with cysteine at codon 142 of the SDHC protein (p.Gly142Cys). The glycine residue is moderately conserved and there is a large physicochemical difference between glycine and cysteine.